The following is an entry in ClinVar:

NM_001164586.2(IGFN1):c.4845A>C (p.Gly1615=)

Gene: IGFN1 (immunoglobulin like and fibronectin type III domain containing 1; plus strand). Cytogenetic location: 1q32.1.
Variant type: single nucleotide variant.
Coding change: c.4845A>C on transcript NM_001164586.2 (MANE Select); coding-DNA position 4845, A replaced by C.
Protein change: p.Gly1615=; no amino-acid change (glycine 1615 retained).
Molecular consequence: synonymous variant. On other transcripts: intron variant (1).
Genome position (GRCh38, 1-based): chr1:201,209,738, A>C. VCF-style: chr1-201209738-A-C. GRCh37 (hg19) VCF-style: chr1-201178866-A-C.
Other names: c.1241+3604A>C (NM_001367841.1).
Identifiers: ClinVar variation 4534075 (VCV004534075.6).

ClinVar aggregate classification (germline): Likely benign (1 of 4 stars; one submission).

Submission:

CeGaT Center for Human Genetics Tuebingen
Classification: Likely benign. Last evaluated: 2026-09-01. Review status: criteria provided, single submitter. Criteria: CeGaT Center For Human Genetics Tuebingen Variant Classification Criteria Version 2. Collection method: clinical testing. Allele origin: germline. Affected: yes. Observed: 4 variant alleles.
Comment: IGFN1: PM2:Supporting, BP4, BP7